The following is an entry in ClinVar:

NM_000135.4(FANCA):c.4168-1G>C

Genes: FANCA (FA complementation group A; minus strand), ZNF276 (zinc finger protein 276; plus strand). Cytogenetic location: 16q24.3.
Variant type: single nucleotide variant.
Coding change: c.4168-1G>C on transcript NM_000135.4 (MANE Select); the canonical splice acceptor site of the intron before coding-DNA position 4168, G replaced by C.
Molecular consequence: splice acceptor variant. On other transcripts: 3 prime UTR variant (2), non-coding transcript variant (4).
Genome position (GRCh38, 1-based): chr16:89,738,975, C>G on the plus strand (G>C on the coding strand, the complement: FANCA is on the minus strand). VCF-style: chr16-89738975-C-G. GRCh37 (hg19) VCF-style: chr16-89805383-C-G.
Other names: c.*729C>G (NM_001113525.2, NM_152287.4); c.4172-1G>C (NM_001286167.3).
Identifiers: ClinVar variation 974170 (VCV000974170.1), dbSNP rs2062047006, ClinGen allele CA397483857.

ClinVar aggregate classification (germline): Pathogenic (0 of 4 stars; one submission).

Conditions:
Fanconi anemia complementation group A (FANCA). Also called: Fanconi anemia, group A; FANCA-Related Fanconi Anemia. Identifiers: Orphanet 84, MedGen C3469521, MONDO:0009215, OMIM 227650.

Submission:

Leiden Open Variation Database
Classification: Pathogenic for Fanconi anemia complementation group A. Last evaluated: 2020-02-28. Review status: no assertion criteria provided. Collection method: curation. Allele origin: germline. Affected: yes.
Comment: Curator: Arleen D. Auerbach. Submitter to LOVD: Arleen D. Auerbach.

Literature cited by the submitters: PubMed 15523645.